The following is an entry in ClinVar:

NM_014804.3(KIAA0753):c.1274A>G (p.Gln425Arg)

Gene: KIAA0753 (KIAA0753; minus strand). Cytogenetic location: 17p13.1.
Variant type: single nucleotide variant.
Coding change: c.1274A>G on transcript NM_014804.3 (MANE Select); coding-DNA position 1274, A replaced by G.
Protein change: p.Gln425Arg; replaces glutamine 425 with arginine.
Molecular consequence: missense variant. On other transcripts: non-coding transcript variant (3).
Genome position (GRCh38, 1-based): chr17:6,620,829, T>C on the plus strand (A>G on the coding strand, the complement: KIAA0753 is on the minus strand). VCF-style: chr17-6620829-T-C. GRCh37 (hg19) VCF-style: chr17-6524149-T-C.
Other names: c.377A>G, p.Gln126Arg (NM_001351225.2); c.1274A>G (NM_014804.2); short protein forms Q126R, Q425R.
Identifiers: ClinVar variation 1510935 (VCV001510935.5), dbSNP rs200801628, ClinGen allele CA8330550.

ClinVar aggregate classification (germline): Conflicting classifications of pathogenicity. Review status: criteria provided, conflicting classifications (1 of 4 stars). 3 submissions from 3 submitters: Uncertain significance (2); Likely benign (1). Last evaluated 2024-09-13.

Conditions:
Inborn genetic diseases. Identifiers: MedGen C0950123, MeSH D030342.

Allele frequency attached by ClinVar (database versions not stated): ExAC 0.00047; gnomAD exomes 0.00049 and 0.00053; gnomAD 0.00065 and 0.00066; TOPMed 0.00096; ESP Exome Variant Server 0.00099; 1000 Genomes Project 0.00100; 1000 Genomes Project 30x 0.00141.
gnomAD v4.1: 874 of 1,614,210 alleles (0.054%); highest among the groups gnomAD compares: Admixed American, 0.12%; no homozygotes.

Submissions (3):

Blueprint Genetics
Classification: Likely benign. Last evaluated: 2024-09-13. Review status: criteria provided, single submitter. Criteria: ACMG Guidelines, 2015. Collection method: clinical testing. Allele origin: germline.

Labcorp Genetics (formerly Invitae), Labcorp
Classification: Uncertain significance. Last evaluated: 2022-10-31. Review status: criteria provided, single submitter. Criteria: Invitae Variant Classification Sherloc (09022015). Collection method: clinical testing. Allele origin: germline.
Comment: This sequence change replaces glutamine, which is neutral and polar, with arginine, which is basic and polar, at codon 425 of the KIAA0753 protein (p.Gln425Arg). This variant is present in population databases (rs200801628, gnomAD 0.07%), and has an allele count higher than expected for a pathogenic variant. This variant has not been reported in the literature in individuals affected with KIAA0753-related conditions. ClinVar contains an entry for this variant (Variation ID: 1510935). Algorithms developed to predict the effect of missense changes on protein structure and function are either unavailable or do not agree on the potential impact of this missense change (SIFT: "Deleterious"; PolyPhen-2: "Benign"; Align-GVGD: "Class C35"). In summary, the available evidence is currently insufficient to determine the role of this variant in disease. Therefore, it has been classified as a Variant of Uncertain Significance.

Ambry Genetics
Classification: Uncertain significance for Inborn genetic diseases. Last evaluated: 2022-06-02. Review status: criteria provided, single submitter. Criteria: Ambry Variant Classification Scheme 2023. Collection method: clinical testing. Allele origin: germline.